The following is an entry in ClinVar:

NM_000020.3(ACVRL1):c.1048+5G>T

Gene: ACVRL1 (activin A receptor like type 1; plus strand). Cytogenetic location: 12q13.13.
Variant type: single nucleotide variant.
Coding change: c.1048+5G>T on transcript NM_000020.3 (MANE Select); 5 bases into the intron after coding-DNA position 1048, G replaced by T.
Molecular consequence: intron variant.
Genome position (GRCh38, 1-based): chr12:51,915,505, G>T. VCF-style: chr12-51915505-G-T. GRCh37 (hg19) VCF-style: chr12-52309289-G-T.
Other names: c.1048+5G>T (NM_001077401.2).
Identifiers: ClinVar variation 1775892 (VCV001775892.2), dbSNP rs2540165040, ClinGen allele CA2580086493.

ClinVar aggregate classification (germline): Uncertain significance (1 of 4 stars; one submission).

Conditions:
Cardiovascular phenotype. Identifiers: MedGen CN230736.

Submission:

Ambry Genetics
Classification: Uncertain significance for Cardiovascular phenotype. Last evaluated: 2020-11-04. Review status: criteria provided, single submitter. Criteria: Ambry Variant Classification Scheme 2023. Collection method: clinical testing. Allele origin: germline.
Comment: The c.1048+5G>T intronic variant results from a G to T substitution 5 nucleotides after coding exon 6 in the ACVRL1 gene. This variant has been detected in an individual with a clinical diagnosis of hereditary hemorrhagic telangiectasia (HHT) (Fontalba A et al. BMC Med Genet, 2008 Aug;9:75). This nucleotide position is highly conserved in available vertebrate species. In silico splice site analysis predicts that this alteration will weaken the native splice donor site and will result in the creation or strengthening of a novel splice donor site. Since supporting evidence is limited at this time, the clinical significance of this alteration remains unclear.

Literature cited by the submitters: PubMed 18673552.